The following is an entry in ClinVar:

NM_006231.4(POLE):c.6491G>A (p.Cys2164Tyr)

Gene: POLE (DNA polymerase epsilon, catalytic subunit; minus strand). Cytogenetic location: 12q24.33.
Variant type: single nucleotide variant.
Coding change: c.6491G>A on transcript NM_006231.4 (MANE Select); coding-DNA position 6491, G replaced by A.
Protein change: p.Cys2164Tyr; replaces cysteine 2164 with tyrosine.
Molecular consequence: missense variant.
Genome position (GRCh38, 1-based): chr12:132,626,157, C>T on the plus strand (G>A on the coding strand, the complement: POLE is on the minus strand). VCF-style: chr12-132626157-C-T. GRCh37 (hg19) VCF-style: chr12-133202743-C-T.
Other names: short protein forms C2164Y.
Identifiers: ClinVar variation 540761 (VCV000540761.11), dbSNP rs750401329, ClinGen allele CA6892168.

ClinVar aggregate classification (germline): Uncertain significance. Review status: criteria provided, multiple submitters, no conflicts (2 of 4 stars). 2 submissions from 2 submitters: Uncertain significance (2). Last evaluated 2025-12-23.

Conditions:
Intrauterine growth retardation, metaphyseal dysplasia, adrenal hypoplasia congenita, genital anomalies, and immunodeficiency. Also called: IMAGEI SYNDROME. Identifiers: MedGen C5193036, MONDO:0032684, OMIM 618336.
Colorectal cancer, susceptibility to, 12 (CRCS12). Also called: COLORECTAL CANCER, SUSCEPTIBILITY TO, ON CHROMOSOME 12q24. Identifiers: Orphanet 220460, MedGen C3554460, MONDO:0014038, OMIM 615083.
Facial dysmorphism-immunodeficiency-livedo-short stature syndrome. Also called: Facial dysmorphism, immunodeficiency, livedo, and short stature; FILS syndrome. Identifiers: Orphanet 352712, MedGen C3554576, MONDO:0014058, OMIM 615139.

Allele frequency attached by ClinVar (database versions not stated): gnomAD exomes below 0.00001; ExAC 0.00001.
gnomAD v4.1: 5 of 1,610,888 alleles (0.00031%); highest among the groups gnomAD compares: South Asian, 0.0044%; no homozygotes.

Submissions (2):

Labcorp Genetics (formerly Invitae), Labcorp
Classification: Uncertain significance. Last evaluated: 2025-12-23. Review status: criteria provided, single submitter. Criteria: Invitae Variant Classification Sherloc (09022015). Collection method: clinical testing. Allele origin: germline.
Comment: This sequence change replaces cysteine, which is neutral and slightly polar, with tyrosine, which is neutral and polar, at codon 2164 of the POLE protein (p.Cys2164Tyr). This variant is present in population databases (rs750401329, gnomAD 0.003%). This variant has not been reported in the literature in individuals affected with POLE-related conditions. ClinVar contains an entry for this variant (Variation ID: 540761). Invitae Evidence Modeling of protein sequence and biophysical properties (such as structural, functional, and spatial information, amino acid conservation, physicochemical variation, residue mobility, and thermodynamic stability) indicates that this missense variant is not expected to disrupt POLE protein function with a negative predictive value of 80%. In summary, the available evidence is currently insufficient to determine the role of this variant in disease. Therefore, it has been classified as a Variant of Uncertain Significance.

Fulgent Genetics
Classification: Uncertain significance for Colorectal cancer, susceptibility to, 12; Facial dysmorphism-immunodeficiency-livedo-short stature syndrome; Intrauterine growth retardation, metaphyseal dysplasia, adrenal hypoplasia congenita, genital anomalies, and immunodeficiency. Last evaluated: 2024-01-03. Review status: criteria provided, single submitter. Criteria: ACMG Guidelines, 2015. Collection method: clinical testing. Allele origin: germline.